The following is an entry in ClinVar:

ClinVar aggregate classification (germline): Uncertain significance. Review status: criteria provided, multiple submitters, no conflicts (2 of 4 stars). 2 submissions from 2 submitters: Uncertain significance (2). Last evaluated 2023-03-29.

Conditions:
Familial hemiplegic migraine. Identifiers: MedGen C0338484, MONDO:0000700.

Allele frequency attached by ClinVar (database versions not stated): gnomAD exomes below 0.00001; TOPMed below 0.00001; ExAC 0.00001.
gnomAD v4.1: 5 of 1,614,198 alleles (0.00031%); highest among the groups gnomAD compares: Admixed American, 0.0017%; no homozygotes.

Submissions (2):

Labcorp Genetics (formerly Invitae), Labcorp
Classification: Uncertain significance for Familial hemiplegic migraine. Last evaluated: 2023-03-29. Review status: criteria provided, single submitter. Criteria: Invitae Variant Classification Sherloc (09022015). Collection method: clinical testing. Allele origin: germline.
Comment: In summary, the available evidence is currently insufficient to determine the role of this variant in disease. Therefore, it has been classified as a Variant of Uncertain Significance. This variant disrupts the p.Val686 amino acid residue in ATP1A2. Other variant(s) that disrupt this residue have been observed in individuals with ATP1A2-related conditions (PMID: 34992632; Invitae), which suggests that this may be a clinically significant amino acid residue. Advanced modeling of protein sequence and biophysical properties (such as structural, functional, and spatial information, amino acid conservation, physicochemical variation, residue mobility, and thermodynamic stability) performed at Invitae indicates that this missense variant is not expected to disrupt ATP1A2 protein function. ClinVar contains an entry for this variant (Variation ID: 1018352). This missense change has been observed in individual(s) with clinical features of autosomal dominant ATP1A2-related conditions (Invitae). This variant is present in population databases (rs780606939, gnomAD 0.0009%). This sequence change replaces valine, which is neutral and non-polar, with isoleucine, which is neutral and non-polar, at codon 686 of the ATP1A2 protein (p.Val686Ile).

Revvity Omics, Revvity
Classification: Uncertain significance. Last evaluated: 2020-07-17. Review status: criteria provided, single submitter. Criteria: ACMG Guidelines, 2015. Collection method: clinical testing. Allele origin: germline.

Literature cited by the submitters: PubMed 34992632 (cited by Labcorp Genetics (formerly Invitae), Labcorp).

NM_000702.4(ATP1A2):c.2056G>A (p.Val686Ile)

Gene: ATP1A2 (ATPase Na+/K+ transporting subunit alpha 2; plus strand). Cytogenetic location: 1q23.2.
Variant type: single nucleotide variant.
Coding change: c.2056G>A on transcript NM_000702.4 (MANE Select); coding-DNA position 2056, G replaced by A.
Protein change: p.Val686Ile; replaces valine 686 with isoleucine.
Molecular consequence: missense variant.
Genome position (GRCh38, 1-based): chr1:160,135,236, G>A. VCF-style: chr1-160135236-G-A. GRCh37 (hg19) VCF-style: chr1-160105026-G-A.
Other names: c.2056G>A (NM_000702.3); short protein forms V686I.
Identifiers: ClinVar variation 1018352 (VCV001018352.11), dbSNP rs780606939, ClinGen allele CA1194650.